The following is an entry in ClinVar:

ClinVar aggregate classification (germline): Uncertain significance (1 of 4 stars; one submission).

Submission:

CeGaT Center for Human Genetics Tuebingen
Classification: Uncertain significance. Last evaluated: 2025-06-01. Review status: criteria provided, single submitter. Criteria: CeGaT Center For Human Genetics Tuebingen Variant Classification Criteria Version 2. Collection method: clinical testing. Allele origin: germline. Affected: yes. Observed: 1 variant allele.
Comment: FLNB: PM2

NM_001457.4(FLNB):c.6057G>T (p.Glu2019Asp)

Gene: FLNB (filamin B; plus strand). Cytogenetic location: 3p14.3.
Variant type: single nucleotide variant.
Coding change: c.6057G>T on transcript NM_001457.4 (MANE Select); coding-DNA position 6057, G replaced by T.
Protein change: p.Glu2019Asp; replaces glutamic acid 2019 with aspartic acid.
Molecular consequence: missense variant.
Genome position (GRCh38, 1-based): chr3:58,148,818, G>T. VCF-style: chr3-58148818-G-T. GRCh37 (hg19) VCF-style: chr3-58134545-G-T.
Other names: c.6150G>T, p.Glu2050Asp (NM_001164317.2); c.6024G>T, p.Glu2008Asp (NM_001164318.2); c.5985G>T, p.Glu1995Asp (NM_001164319.2); short protein forms E1995D, E2008D, E2019D, E2050D.
Identifiers: ClinVar variation 3906000 (VCV003906000.10).